The following is an entry in ClinVar:

ClinVar aggregate classification (germline): Uncertain significance. Review status: criteria provided, multiple submitters, no conflicts (2 of 4 stars). 2 submissions from 2 submitters: Uncertain significance (2). Last evaluated 2023-11-27.

Submissions (2):

Labcorp Genetics (formerly Invitae), Labcorp
Classification: Uncertain significance. Last evaluated: 2023-11-27. Review status: criteria provided, single submitter. Criteria: Invitae Variant Classification Sherloc (09022015). Collection method: clinical testing. Allele origin: germline.
Comment: This variant, c.1787_1789del, results in the deletion of 1 amino acid(s) of the GRHL2 protein (p.Asn596del), but otherwise preserves the integrity of the reading frame. This variant is not present in population databases (gnomAD no frequency). This variant has not been reported in the literature in individuals affected with GRHL2-related conditions. ClinVar contains an entry for this variant (Variation ID: 1723565). Experimental studies and prediction algorithms are not available or were not evaluated, and the functional significance of this variant is currently unknown. In summary, the available evidence is currently insufficient to determine the role of this variant in disease. Therefore, it has been classified as a Variant of Uncertain Significance.

GeneDx
Classification: Uncertain significance. Last evaluated: 2022-05-10. Review status: criteria provided, single submitter. Criteria: GeneDx Variant Classification Process June 2021. Collection method: clinical testing. Allele origin: germline. Affected: yes.
Comment: Not observed at significant frequency in large population cohorts (gnomAD); In-frame deletion of 1 amino acids in a non-repeat region; In silico analysis supports a deleterious effect on protein structure/function; Has not been previously published as pathogenic or benign to our knowledge

NM_024915.4(GRHL2):c.1784ACA[1] (p.Asn596del)

Gene: GRHL2 (grainyhead like transcription factor 2; plus strand). Cytogenetic location: 8q22.3.
Variant type: Microsatellite.
Coding change: c.1784ACA[1] on transcript NM_024915.4 (MANE Select); one copy of the 3-base unit ACA starting at c.1784; the reference has two copies in a row; one copy, 3 bases deleted.
Protein change: p.Asn596del; deletes asparagine 596.
Molecular consequence: inframe deletion.
Genome position (GRCh38, 1-based): chr8:101,666,612-101,666,614, ACA deleted; deleting any 3 consecutive bases within chr8:101,666,609-101,666,614 gives the same sequence; the position shown is the placement nearest the transcript's 3' end. VCF-style (leftmost placement, unchanged base first): chr8-101666608-GACA-G. GRCh37 (hg19) VCF-style: chr8-102678836-GACA-G.
Other names: c.1736ACA[1], p.Asn580del (NM_001330593.2); short protein forms N580del, N596del.
Identifiers: ClinVar variation 1723565 (VCV001723565.7), dbSNP rs2537002153, ClinGen allele CA2580617218.